The following is an entry in ClinVar:

ClinVar aggregate classification (germline): Likely pathogenic (1 of 4 stars; one submission).

Submission:

Labcorp Genetics (formerly Invitae), Labcorp
Classification: Likely pathogenic. Last evaluated: 2022-03-11. Review status: criteria provided, single submitter. Criteria: Invitae Variant Classification Sherloc (09022015). Collection method: clinical testing. Allele origin: germline.
Comment: This variant has not been reported in the literature in individuals affected with NBAS-related conditions. In summary, the currently available evidence indicates that the variant is pathogenic, but additional data are needed to prove that conclusively. Therefore, this variant has been classified as Likely Pathogenic. Algorithms developed to predict the effect of sequence changes on RNA splicing suggest that this variant may disrupt the consensus splice site. This variant is not present in population databases (gnomAD no frequency). This sequence change affects an acceptor splice site in intron 26 of the NBAS gene. It is expected to disrupt RNA splicing. Variants that disrupt the donor or acceptor splice site typically lead to a loss of protein function (PMID: 16199547), and loss-of-function variants in NBAS are known to be pathogenic (PMID: 26073778, 26541327, 27789416, 28031453).

Literature cited by the submitters: PubMed 16199547; PubMed 26073778; PubMed 26541327; PubMed 27789416; PubMed 28031453.

NM_015909.4(NBAS):c.3072-1G>A

Gene: NBAS (NBAS subunit of NRZ tethering complex; minus strand). Cytogenetic location: 2p24.3.
Variant type: single nucleotide variant.
Coding change: c.3072-1G>A on transcript NM_015909.4 (MANE Select); the canonical splice acceptor site of the intron before coding-DNA position 3072, G replaced by A.
Molecular consequence: splice acceptor variant.
Genome position (GRCh38, 1-based): chr2:15,396,476, C>T on the plus strand (G>A on the coding strand, the complement: NBAS is on the minus strand). VCF-style: chr2-15396476-C-T. GRCh37 (hg19) VCF-style: chr2-15536600-C-T.
Identifiers: ClinVar variation 2109521 (VCV002109521.4), dbSNP rs2528878801, ClinGen allele CA345881482.
Genomic context (GRCh38, chr2:15,396,476, plus strand): 5'-AGAATTTGTTCCAGTTGGTCTACCATGTCATGAAGCTTTGTGGTTGCCTCTGTCTTATCA[C>T]TAATAAATTAAAAGAAGAAAAAAAAAAGCCCTTAAGTTTAGTATTAGCTTTTTAAATAAA-3'